The following is an entry in ClinVar:

ClinVar aggregate classification (germline): Likely pathogenic (1 of 4 stars; one submission).

Conditions:
Dilated cardiomyopathy 1G (CMD1G). Identifiers: Orphanet 154, MedGen C1858763, MONDO:0011400, OMIM 604145.
Autosomal recessive limb-girdle muscular dystrophy type 2J (LGMDR10). Also called: Limb-girdle muscular dystrophy, type 2J; MUSCULAR DYSTROPHY, LIMB-GIRDLE, AUTOSOMAL RECESSIVE 10. Identifiers: Orphanet 140922, MedGen C1837342, MONDO:0012127, OMIM 608807.

Submission:

Labcorp Genetics (formerly Invitae), Labcorp
Classification: Likely pathogenic for Dilated cardiomyopathy 1G; Autosomal recessive limb-girdle muscular dystrophy type 2J. Last evaluated: 2024-11-04. Review status: criteria provided, single submitter. Criteria: Invitae Variant Classification Sherloc (09022015). Collection method: clinical testing. Allele origin: germline.
Comment: This sequence change creates a premature translational stop signal (p.Ser4235*) in the TTN gene. While this is not anticipated to result in nonsense mediated decay, it is expected to create a truncated TTN protein. This variant is not present in population databases (gnomAD no frequency). This variant has not been reported in the literature in individuals affected with TTN-related conditions. ClinVar contains an entry for this variant (Variation ID: 569531). This variant is located in the I band of TTN (PMID: 25589632). Truncating variants in this region have been reported in individuals affected with autosomal recessive centronuclear myopathy (PMID: 23975875, internal data). Truncating variants in this region have also been identified in individuals affected with autosomal dominant dilated cardiomyopathy and/or cardio-related conditions (PMID: 27869827, 32964742, internal data). In summary, the currently available evidence indicates that the variant is pathogenic, but additional data are needed to prove that conclusively. Therefore, this variant has been classified as Likely Pathogenic.

Literature cited by the submitters: PubMed 25589632; PubMed 23975875; PubMed 27869827; PubMed 32964742.

NM_001267550.2(TTN):c.12704C>A (p.Ser4235Ter)

Gene: TTN (titin; minus strand). Cytogenetic location: 2q31.2.
Variant type: single nucleotide variant.
Coding change: c.12704C>A on transcript NM_001267550.2 (MANE Select); coding-DNA position 12704, C replaced by A.
Protein change: p.Ser4235Ter; replaces serine 4235 with a stop codon.
Molecular consequence: nonsense. On other transcripts: intron variant (1).
Genome position (GRCh38, 1-based): chr2:178,740,529, G>T on the plus strand (C>A on the coding strand, the complement: TTN is on the minus strand). VCF-style: chr2-178740529-G-T. GRCh37 (hg19) VCF-style: chr2-179605256-G-T.
Other names: c.11753C>A, p.Ser3918Ter (NM_001256850.1); c.11615C>A, p.Ser3872Ter (NM_003319.4); c.11990C>A, p.Ser3997Ter (NM_133432.3); c.12191C>A, p.Ser4064Ter (NM_133437.4); c.10361-2169C>A (NM_133378.4); short protein forms S4235*, S3872*, S3918*, S3997*, S4064*.
Identifiers: ClinVar variation 569531 (VCV000569531.10), dbSNP rs1253161767, ClinGen allele CA349610806.